The following is an entry in ClinVar:

ClinVar aggregate classification (germline): Uncertain significance (1 of 4 stars; one submission).

Conditions:
Familial hypobetalipoproteinemia 1. Also called: APOB-Related Familial Hypobetalipoproteinemia; Hypobetalipoproteinemia, normotriglyceridemic; Acanthocytosis with hypobetalipoproteinemia. Identifiers: MedGen C4551990, MONDO:0014252, OMIM 615558.
Hypercholesterolemia, autosomal dominant, type B (FHCL2). Also called: Familial Hypercholesterolemia Type B; APOLIPOPROTEIN B-100, FAMILIAL DEFECTIVE; APOLIPOPROTEIN B-100, FAMILIAL LIGAND-DEFECTIVE; HYPERCHOLESTEROLEMIA, FAMILIAL, DUE TO LIGAND-DEFECTIVE APOLIPOPROTEIN B; Hyperlipoproteinemia Type IIb; Familial hypercholesterolemia 2. Identifiers: MedGen C1704417, MONDO:0007751, OMIM 144010.

Submission:

Labcorp Genetics (formerly Invitae), Labcorp
Classification: Uncertain significance for Familial hypobetalipoproteinemia 1; Hypercholesterolemia, autosomal dominant, type B. Last evaluated: 2023-11-05. Review status: criteria provided, single submitter. Criteria: Invitae Variant Classification Sherloc (09022015). Collection method: clinical testing. Allele origin: germline.
Comment: This sequence change replaces leucine, which is neutral and non-polar, with isoleucine, which is neutral and non-polar, at codon 2191 of the APOB protein (p.Leu2191Ile). This variant is not present in population databases (gnomAD no frequency). This variant has not been reported in the literature in individuals affected with APOB-related conditions. Advanced modeling of protein sequence and biophysical properties (such as structural, functional, and spatial information, amino acid conservation, physicochemical variation, residue mobility, and thermodynamic stability) performed at Invitae indicates that this missense variant is not expected to disrupt APOB protein function with a negative predictive value of 95%. In summary, the available evidence is currently insufficient to determine the role of this variant in disease. Therefore, it has been classified as a Variant of Uncertain Significance.

NM_000384.3(APOB):c.6571T>A (p.Leu2191Ile)

Gene: APOB (apolipoprotein B; minus strand). Cytogenetic location: 2p24.1.
Variant type: single nucleotide variant.
Coding change: c.6571T>A on transcript NM_000384.3 (MANE Select); coding-DNA position 6571, T replaced by A.
Protein change: p.Leu2191Ile; replaces leucine 2191 with isoleucine.
Molecular consequence: missense variant.
Genome position (GRCh38, 1-based): chr2:21,010,297, A>T on the plus strand (T>A on the coding strand, the complement: APOB is on the minus strand). VCF-style: chr2-21010297-A-T. GRCh37 (hg19) VCF-style: chr2-21233169-A-T.
Other names: short protein forms L2191I.
Identifiers: ClinVar variation 2937759 (VCV002937759.3), dbSNP rs1446843445, ClinGen allele CA346001457.